The following is an entry in ClinVar:

ClinVar aggregate classification (germline): Uncertain significance (1 of 4 stars; one submission).

Conditions:
Hereditary cancer-predisposing syndrome. Also called: Neoplastic Syndromes, Hereditary; Hereditary Cancer Syndrome; Tumor predisposition; Hereditary neoplastic syndrome. Identifiers: Orphanet 140162, MedGen C0027672, MeSH D009386, MONDO:0015356.

gnomAD v4.1: 1 of 152,160 alleles (0.00066%); highest among the groups gnomAD compares: Non-Finnish European, 0.0015%; no homozygotes.

Submission:

Ambry Genetics
Classification: Uncertain significance for Hereditary cancer-predisposing syndrome. Last evaluated: 2022-11-17. Review status: criteria provided, single submitter. Criteria: Ambry Variant Classification Scheme 2023. Collection method: clinical testing. Allele origin: germline.
Comment: The c.3285-2698G>A intronic alteration consists of a G to A substitution 2698 nucleotides before coding exon 22 in the ATM gene. Based on insufficient or conflicting evidence, the clinical significance of this alteration remains unclear.

NM_000051.4(ATM):c.3285-2698G>A

Gene: ATM (ATM serine/threonine kinase; plus strand). Cytogenetic location: 11q22.3.
Variant type: single nucleotide variant.
Coding change: c.3285-2698G>A on transcript NM_000051.4 (MANE Select); 2698 bases into the intron before coding-DNA position 3285, G replaced by A.
Molecular consequence: intron variant.
Genome position (GRCh38, 1-based): chr11:108,276,793, G>A. VCF-style: chr11-108276793-G-A. GRCh37 (hg19) VCF-style: chr11-108147520-G-A.
Other names: c.3285-2698G>A (NM_001351834.2).
Identifiers: ClinVar variation 2447497 (VCV002447497.2), dbSNP rs1244040273, ClinGen allele CA941941709.